The following is an entry in ClinVar:

NM_021830.5(TWNK):c.47C>T (p.Pro16Leu)

Gene: TWNK (twinkle mtDNA helicase; plus strand). Cytogenetic location: 10q24.31.
Variant type: single nucleotide variant.
Coding change: c.47C>T on transcript NM_021830.5 (MANE Select); coding-DNA position 47, C replaced by T.
Protein change: p.Pro16Leu; replaces proline 16 with leucine.
Molecular consequence: missense variant. On other transcripts: non-coding transcript variant (4), intron variant (3).
Genome position (GRCh38, 1-based): chr10:100,988,257, C>T. VCF-style: chr10-100988257-C-T. GRCh37 (hg19) VCF-style: chr10-102748014-C-T.
Other names: c.47C>T, p.Pro16Leu (NM_001163812.2); c.-120+644C>T (NM_001163814.2, NM_001163813.2); c.-58+644C>T (NM_001368275.1); short protein forms P16L.
Identifiers: ClinVar variation 2139689 (VCV002139689.4), dbSNP rs1426879120, ClinGen allele CA378205797.

ClinVar aggregate classification (germline): Uncertain significance (1 of 4 stars; one submission).

Allele frequency attached by ClinVar (database versions not stated): gnomAD exomes below 0.00001; TOPMed below 0.00001; gnomAD 0.00001.

Submission:

Labcorp Genetics (formerly Invitae), Labcorp
Classification: Uncertain significance. Last evaluated: 2024-11-07. Review status: criteria provided, single submitter. Criteria: Invitae Variant Classification Sherloc (09022015). Collection method: clinical testing. Allele origin: germline.
Comment: This sequence change replaces proline, which is neutral and non-polar, with leucine, which is neutral and non-polar, at codon 16 of the TWNK protein (p.Pro16Leu). This variant is present in population databases (no rsID available, gnomAD 0.007%). This variant has not been reported in the literature in individuals affected with TWNK-related conditions. ClinVar contains an entry for this variant (Variation ID: 2139689). Invitae Evidence Modeling of protein sequence and biophysical properties (such as structural, functional, and spatial information, amino acid conservation, physicochemical variation, residue mobility, and thermodynamic stability) indicates that this missense variant is not expected to disrupt TWNK protein function with a negative predictive value of 95%. In summary, the available evidence is currently insufficient to determine the role of this variant in disease. Therefore, it has been classified as a Variant of Uncertain Significance.